The following is an entry in ClinVar:

ClinVar aggregate classification (germline): Uncertain significance (1 of 4 stars; one submission).

Allele frequency attached by ClinVar (database versions not stated): gnomAD exomes below 0.00001.
gnomAD v4.1: 1 of 1,605,718 alleles (0.000062%); highest among the groups gnomAD compares: Non-Finnish European, 0.000085%; no homozygotes.

Submission:

Labcorp Genetics (formerly Invitae), Labcorp
Classification: Uncertain significance. Last evaluated: 2025-06-18. Review status: criteria provided, single submitter. Criteria: Invitae Variant Classification Sherloc (09022015). Collection method: clinical testing. Allele origin: germline.
Comment: This sequence change affects codon 1126 of the POLE mRNA. It is a 'silent' change, meaning that it does not change the encoded amino acid sequence of the POLE protein. It affects a nucleotide within the consensus splice site. This variant is not present in population databases (gnomAD no frequency). This variant has not been reported in the literature in individuals affected with POLE-related conditions. ClinVar contains an entry for this variant (Variation ID: 1002747). Algorithms developed to predict the effect of sequence changes on RNA splicing suggest that this variant is not likely to affect RNA splicing. In summary, the available evidence is currently insufficient to determine the role of this variant in disease. Therefore, it has been classified as a Variant of Uncertain Significance.

NM_006231.4(POLE):c.3378A>G (p.Ala1126=)

Gene: POLE (DNA polymerase epsilon, catalytic subunit; minus strand). Cytogenetic location: 12q24.33.
Variant type: single nucleotide variant.
Coding change: c.3378A>G on transcript NM_006231.4 (MANE Select); coding-DNA position 3378, A replaced by G.
Protein change: p.Ala1126=; no amino-acid change (alanine 1126 retained).
Molecular consequence: synonymous variant.
Genome position (GRCh38, 1-based): chr12:132,657,868, T>C on the plus strand (A>G on the coding strand, the complement: POLE is on the minus strand). VCF-style: chr12-132657868-T-C. GRCh37 (hg19) VCF-style: chr12-133234454-T-C.
Identifiers: ClinVar variation 1002747 (VCV001002747.8), dbSNP rs2042580407, ClinGen allele CA482732521.